The following is an entry in ClinVar:

NM_020754.4(ARHGAP31):c.3875C>T (p.Pro1292Leu)

Gene: ARHGAP31 (Rho GTPase activating protein 31; plus strand). Cytogenetic location: 3q13.33.
Variant type: single nucleotide variant.
Coding change: c.3875C>T on transcript NM_020754.4 (MANE Select); coding-DNA position 3875, C replaced by T.
Protein change: p.Pro1292Leu; replaces proline 1292 with leucine.
Molecular consequence: missense variant.
Genome position (GRCh38, 1-based): chr3:119,415,804, C>T. VCF-style: chr3-119415804-C-T. GRCh37 (hg19) VCF-style: chr3-119134651-C-T.
Other names: short protein forms P1292L.
Identifiers: ClinVar variation 3383880 (VCV003383880.1).

ClinVar aggregate classification (germline): Uncertain significance (1 of 4 stars; one submission).

gnomAD v4.1: 1 of 1,614,264 alleles (0.000062%); highest among the groups gnomAD compares: Non-Finnish European, 0.000085%; no homozygotes.

Submission:

GeneDx
Classification: Uncertain significance. Last evaluated: 2024-05-30. Review status: criteria provided, single submitter. Criteria: GeneDx Variant Classification Process June 2021. Collection method: clinical testing. Allele origin: germline. Affected: yes.
Comment: Not observed at significant frequency in large population cohorts (gnomAD); In silico analysis supports that this missense variant has a deleterious effect on protein structure/function; Has not been previously published as pathogenic or benign to our knowledge